The following is an entry in ClinVar:

NM_014009.4(FOXP3):c.751_753del (p.Glu251del)

Gene: FOXP3 (forkhead box P3; minus strand). Cytogenetic location: Xp11.23.
Variant type: Deletion.
Coding change: c.751_753del on transcript NM_014009.4 (MANE Select); coding-DNA positions 751 to 753, 3 bases deleted (GAG; older notation c.751_753delGAG).
Protein change: p.Glu251del; deletes glutamic acid 251.
Molecular consequence: inframe deletion.
Genome position (GRCh38, 1-based): chrX:49,255,492-49,255,494, CTC deleted on the plus strand (GAG on the coding strand, the reverse complement: FOXP3 is on the minus strand); deleting any 3 consecutive bases within chrX:49,255,492-49,255,496 gives the same sequence; the c. name uses the placement nearest the transcript's 3' end. VCF-style (leftmost placement, unchanged base first): chrX-49255491-TCTC-T. GRCh37 (hg19) VCF-style: chrX-49111952-TCTC-T.
Other names: E203del; c.646_648del, p.Glu216del (NM_001114377.2); c.751_753del (NM_014009.3); short protein forms E216del, E251del.
Identifiers: ClinVar variation 11413 (VCV000011413.25), dbSNP rs122467171, ClinGen allele CA255861.

ClinVar aggregate classification (germline): Pathogenic. Review status: criteria provided, multiple submitters, no conflicts (2 of 4 stars). 4 submissions from 4 submitters: Pathogenic (3). 1 of the submissions does not count toward it. Last evaluated 2024-05-01.

Conditions:
Insulin-dependent diabetes mellitus secretory diarrhea syndrome (IPEX). Also called: X-Linked Autoimmunity-Allergic Dysregulation Syndrome; IPEX and IPEX-Like; Immunodeficiency, Polyendocrinopathy, and Enteropathy X-Linked Syndrome; X-Linked Syndrome of Polyendocrinopathy, Immune Dysfunction, and Diarrhea; Immunodysregulation, polyendocrinopathy, and enteropathy, X-linked; DIABETES MELLITUS, CONGENITAL INSULIN-DEPENDENT, WITH FATAL SECRETORY DIARRHEA. Identifiers: Orphanet 37042, MedGen C0342288, MONDO:0010580, OMIM 304790. Disease mechanism: loss of function.

Submissions (4):

CeGaT Center for Human Genetics Tuebingen
Classification: Pathogenic. Last evaluated: 2024-05-01. Review status: criteria provided, single submitter. Criteria: CeGaT Center For Human Genetics Tuebingen Variant Classification Criteria Version 2. Collection method: clinical testing. Allele origin: germline. Affected: yes. Observed: 1 variant allele.
Comment: FOXP3: PS3, PM2, PS4:Moderate, PM4:Supporting, PP1, PP4

GeneDx
Classification: Pathogenic. Last evaluated: 2023-06-16. Review status: criteria provided, single submitter. Criteria: GeneDx Variant Classification Process June 2021. Collection method: clinical testing. Allele origin: germline. Affected: yes.
Comment: In-frame deletion of 1 amino acids in a non-repeat region predicted to critically alter the protein; Published functional studies demonstrate a damaging effect with this variant disrupting homodimerization resulting in a failure to associate with the IL-2 promoter and reduced IL-2 transcription repression (Li et al., 2007); In silico analysis supports a deleterious effect on protein structure/function; Not observed at significant frequency in large population cohorts (gnomAD); This variant is associated with the following publications: (PMID: 21458306, 33194927, 34786169, 11120765, 33614561, 31386175, 24916357, 30443250, 32531870, 20537998, 17586580)

Labcorp Genetics (formerly Invitae), Labcorp
Classification: Pathogenic for Insulin-dependent diabetes mellitus secretory diarrhea syndrome. Last evaluated: 2022-03-26. Review status: criteria provided, single submitter. Criteria: Invitae Variant Classification Sherloc (09022015). Collection method: clinical testing. Allele origin: germline.
Comment: Algorithms developed to predict the effect of variants on protein structure and function are not available or were not evaluated for this variant. For these reasons, this variant has been classified as Pathogenic. Experimental studies have shown that this variant affects FOXP3 function (PMID: 17586580). ClinVar contains an entry for this variant (Variation ID: 11413). This variant has been observed in individuals with clinical features of X-linked recessive immunodysregulation, polyendocrinopathy, and enteropathy (IPEX syndrome) (PMID: 11120765, 20537998, 24916357, 30443250, 32531870). It has also been observed to segregate with disease in related individuals. This variant is not present in population databases (gnomAD no frequency). This variant, c.751_753del, results in the deletion of 1 amino acid(s) of the FOXP3 protein (p.Glu251del), but otherwise preserves the integrity of the reading frame.

OMIM
Classification: Pathogenic for IMMUNODYSREGULATION, POLYENDOCRINOPATHY, AND ENTEROPATHY, X-LINKED. Last evaluated: 2000-12-01. Review status: no assertion criteria provided. Collection method: literature only. Allele origin: germline. Not counted in ClinVar's aggregate classification.

Literature cited by the submitters: PubMed 17586580 (cited by Labcorp Genetics (formerly Invitae), Labcorp); PubMed 11120765 (cited by Labcorp Genetics (formerly Invitae), Labcorp and OMIM); PubMed 20537998 (cited by Labcorp Genetics (formerly Invitae), Labcorp); PubMed 24916357 (cited by Labcorp Genetics (formerly Invitae), Labcorp); PubMed 30443250 (cited by Labcorp Genetics (formerly Invitae), Labcorp); PubMed 32531870 (cited by Labcorp Genetics (formerly Invitae), Labcorp).